The following is an entry in ClinVar:

NM_001384732.1(CPLANE1):c.4390G>T (p.Glu1464Ter)

Genes: CPLANE1 (ciliogenesis and planar polarity effector complex subunit 1; minus strand), LOC129389274 (MPRA-validated peak5227 silencer; plus strand). Cytogenetic location: 5p13.2.
Variant type: single nucleotide variant.
Coding change: c.4390G>T on transcript NM_001384732.1 (MANE Select); coding-DNA position 4390, G replaced by T.
Protein change: p.Glu1464Ter; replaces glutamic acid 1464 with a stop codon.
Molecular consequence: nonsense.
Genome position (GRCh38, 1-based): chr5:37,184,879, C>A on the plus strand (G>T on the coding strand, the complement: CPLANE1 is on the minus strand). VCF-style: chr5-37184879-C-A. GRCh37 (hg19) VCF-style: chr5-37184981-C-A.
Other names: c.4390G>T, p.Glu1464Ter (NM_023073.4); short protein forms E1464*.
Identifiers: ClinVar variation 4688474 (VCV004688474.2).

ClinVar aggregate classification (germline): Pathogenic/Likely pathogenic. Review status: criteria provided, multiple submitters, no conflicts (2 of 4 stars). 2 submissions from 2 submitters: Pathogenic (1); Likely pathogenic (1). Last evaluated 2025-12-09.

Conditions:
C5ORF42-related disorders.
Joubert syndrome and related disorders. Identifiers: Orphanet 140874, MedGen C5679612, MONDO:0015369.

Submissions (2):

Women's Health and Genetics/Laboratory Corporation of America, LabCorp
Classification: Pathogenic for Joubert syndrome and related disorders. Last evaluated: 2025-12-09. Review status: criteria provided, single submitter. Criteria: LabCorp Variant Classification Summary - May 2015. Collection method: clinical testing. Allele origin: germline.
Comment: Variant summary: CPLANE1 c.4390G>T (p.Glu1464X) results in a premature termination codon, predicted to cause a truncation of the encoded protein or absence of the protein due to nonsense mediated decay, which are commonly known mechanisms for disease. The variant was absent in 251422 control chromosomes. To our knowledge, no occurrence of c.4390G>T in individuals affected with CPLANE1-related conditions and no experimental evidence demonstrating its impact on protein function have been reported. No submitters have cited clinical-significance assessments for this variant to ClinVar. Based on the evidence outlined above, the variant was classified as pathogenic.

Blueprint Genetics
Classification: Likely pathogenic for C5ORF42-related disorders. Last evaluated: 2018-01-22. Review status: criteria provided, single submitter. Criteria: ACMG Guidelines, 2015. Collection method: clinical testing. Allele origin: germline. Affected: yes. Observed: 1 variant allele.